The following is an entry in ClinVar:

ClinVar aggregate classification (germline): Benign/Likely benign. Review status: criteria provided, multiple submitters, no conflicts (2 of 4 stars). 5 submissions from 5 submitters: Benign (1); Likely benign (4). Last evaluated 2025-10-31.

Conditions:
Hereditary cancer-predisposing syndrome. Also called: Neoplastic Syndromes, Hereditary; Hereditary Cancer Syndrome; Tumor predisposition; Hereditary neoplastic syndrome. Identifiers: Orphanet 140162, MedGen C0027672, MeSH D009386, MONDO:0015356.
Familial cancer of breast. Also called: hereditary breast carcinoma; Hereditary breast cancer; BREAST CANCER, FAMILIAL. Identifiers: Orphanet 227535, MedGen C0346153, MONDO:0016419, OMIM 114480. Disease mechanism: loss of function.

Allele frequency attached by ClinVar (database versions not stated): gnomAD exomes below 0.00001.
gnomAD v4.1: 1 of 1,613,604 alleles (0.000062%); highest among the groups gnomAD compares: Non-Finnish European, 0.000085%; no homozygotes.

Submissions (5):

Labcorp Genetics (formerly Invitae), Labcorp
Classification: Likely benign for Familial cancer of breast. Last evaluated: 2025-10-31. Review status: criteria provided, single submitter. Criteria: Invitae Variant Classification Sherloc (09022015). Collection method: clinical testing. Allele origin: germline.

Myriad Genetics, Inc.
Classification: Benign for Familial cancer of breast. Last evaluated: 2025-01-09. Review status: criteria provided, single submitter. Criteria: Myriad Autosomal Dominant, Autosomal Recessive and X-Linked Classification Criteria (2023). Collection method: clinical testing. Allele origin: unknown.
Comment: This variant is considered benign. This variant is a silent/synonymous amino acid change and it is not expected to impact splicing.

Blueprint Genetics
Classification: Likely benign. Last evaluated: 2023-07-14. Review status: criteria provided, single submitter. Criteria: ACMG Guidelines, 2015. Collection method: clinical testing. Allele origin: germline.

Color Diagnostics, LLC DBA Color Health
Classification: Likely benign for Hereditary cancer-predisposing syndrome. Last evaluated: 2017-04-28. Review status: criteria provided, single submitter. Criteria: ACMG Guidelines, 2015. Collection method: clinical testing. Allele origin: germline.

Ambry Genetics
Classification: Likely benign for Hereditary cancer-predisposing syndrome. Last evaluated: 2015-08-31. Review status: criteria provided, single submitter. Criteria: Ambry Variant Classification Scheme 2023. Collection method: clinical testing. Allele origin: germline.

NM_024675.4(PALB2):c.39G>A (p.Glu13=)

Gene: PALB2 (partner and localizer of BRCA2; minus strand). Cytogenetic location: 16p12.2.
Variant type: single nucleotide variant.
Coding change: c.39G>A on transcript NM_024675.4 (MANE Select); coding-DNA position 39, G replaced by A.
Protein change: p.Glu13=; no amino-acid change (glutamic acid 13 retained).
Molecular consequence: synonymous variant.
Genome position (GRCh38, 1-based): chr16:23,641,119, C>T on the plus strand (G>A on the coding strand, the complement: PALB2 is on the minus strand). VCF-style: chr16-23641119-C-T. GRCh37 (hg19) VCF-style: chr16-23652440-C-T.
Identifiers: ClinVar variation 233636 (VCV000233636.19), dbSNP rs876660538, ClinGen allele CA10580058.
Genomic context (GRCh38, chr16:23,641,119, plus strand): 5'-TGGGAAAGCGGGGTCAGAGTCCTGCGTCCGCCCTTCCCGCACCCCCGGCACCTTTTCCTT[C>T]TCCTCACAGCTGAGGGGCTTCCCGGGAGGCTCGTCCATCGGGCAGGCGACAGAACGAAAA-3'
Protein context (NP_078951.2, residues 3-23): EPPGKPLSCE[Glu13=]KEKLKEKLAF